The following is an entry in ClinVar:

NM_001365536.1(SCN9A):c.5379G>A (p.Ala1793=)

Genes: SCN1A-AS1 (SCN1A and SCN9A antisense RNA 1; plus strand), SCN9A (sodium voltage-gated channel alpha subunit 9; minus strand). Cytogenetic location: 2q24.3.
Variant type: single nucleotide variant.
Coding change: c.5379G>A on transcript NM_001365536.1 (MANE Select); coding-DNA position 5379, G replaced by A.
Protein change: p.Ala1793=; no amino-acid change (alanine 1793 retained).
Molecular consequence: synonymous variant.
Genome position (GRCh38, 1-based): chr2:166,199,260, C>T on the plus strand (G>A on the coding strand, the complement: SCN9A is on the minus strand). VCF-style: chr2-166199260-C-T. GRCh37 (hg19) VCF-style: chr2-167055770-C-T.
Other names: c.5346G>A, p.Ala1782= (NM_002977.4).
Identifiers: ClinVar variation 331961 (VCV000331961.17), dbSNP rs201875421, ClinGen allele CA1943686.

ClinVar aggregate classification (germline): Conflicting classifications of pathogenicity. Review status: criteria provided, conflicting classifications (1 of 4 stars). 6 submissions from 4 submitters: Uncertain significance (1); Benign (2); Likely benign (3). Last evaluated 2025-10-15.

Conditions:
Paroxysmal extreme pain disorder (PEXPD). Also called: PAIN, SUBMANDIBULAR, OCULAR, AND RECTAL, WITH FLUSHING; RECTAL PAIN, FAMILIAL; SCN9A Paroxysmal Extreme Pain Disorder (SCN9A-PEPD). Identifiers: Orphanet 46348, MedGen C1833661, MONDO:0008179, OMIM 167400.
Primary erythromelalgia. Also called: SCN9A Erythromelalgia (SCN9A-EM); primary erythermalgia. Identifiers: Orphanet 306577, Orphanet 90026, MedGen C0014805, MONDO:0007571, OMIM 133020.
Neuropathy, hereditary sensory and autonomic, type 2A (HSAN2A). Also called: MORVAN DISEASE; NEUROPATHY, CONGENITAL SENSORY; NEUROPATHY, HEREDITARY SENSORY RADICULAR, AUTOSOMAL RECESSIVE; NEUROPATHY, HEREDITARY SENSORY, TYPE IIA; NEUROPATHY, PROGRESSIVE SENSORY, OF CHILDREN; HSAN IIA. Identifiers: Orphanet 970, MedGen C2752089, MONDO:0024309, OMIM 201300.
Generalized epilepsy with febrile seizures plus, type 7 (GEFSP7). Also called: GEFS+, TYPE 7. Identifiers: Orphanet 36387, MedGen C2751778, MONDO:0013470, OMIM 613863.
Inborn genetic diseases. Identifiers: MedGen C0950123, MeSH D030342.
Channelopathy-associated congenital insensitivity to pain, autosomal recessive. Also called: Insensitivity to pain, channelopathy-associated; ASYMBOLIA FOR PAIN; CONGENITAL ANALGESIA, AUTOSOMAL RECESSIVE. Identifiers: Orphanet 88642, Orphanet 970, MedGen C1855739, MONDO:0009459, OMIM 243000.

Allele frequency attached by ClinVar (database versions not stated): gnomAD exomes below 0.00001 and 0.00001; ExAC 0.00002; gnomAD 0.00005 and 0.00006; TOPMed 0.00007; ESP Exome Variant Server 0.00023.
gnomAD v4.1: 13 of 1,613,946 alleles (0.00081%); highest among the groups gnomAD compares: African/African-American, 0.016%; no homozygotes.

Submissions (6):

Labcorp Genetics (formerly Invitae), Labcorp
Classification: Likely benign for Neuropathy, hereditary sensory and autonomic, type 2A; Generalized epilepsy with febrile seizures plus, type 7. Last evaluated: 2025-10-15. Review status: criteria provided, single submitter. Criteria: Invitae Variant Classification Sherloc (09022015). Collection method: clinical testing. Allele origin: germline.

Women's Health and Genetics/Laboratory Corporation of America, LabCorp
Classification: Likely benign. Last evaluated: 2024-12-26. Review status: criteria provided, single submitter. Criteria: LabCorp Variant Classification Summary - May 2015. Collection method: clinical testing. Allele origin: germline.

Ambry Genetics
Classification: Likely benign for Inborn genetic diseases. Last evaluated: 2019-07-11. Review status: criteria provided, single submitter. Criteria: Ambry Variant Classification Scheme 2023. Collection method: clinical testing. Allele origin: germline.

Illumina Laboratory Services, Illumina
Classification: Uncertain significance for Channelopathy-associated congenital insensitivity to pain, autosomal recessive. Last evaluated: 2018-01-13. Review status: criteria provided, single submitter. Criteria: ICSL Variant Classification Criteria 13 December 2019. Collection method: clinical testing. Allele origin: germline.

Illumina Laboratory Services, Illumina
Classification: Benign for Primary erythromelalgia. Last evaluated: 2018-01-13. Review status: criteria provided, single submitter. Criteria: ICSL Variant Classification Criteria 13 December 2019. Collection method: clinical testing. Allele origin: germline.
Comment: This variant was observed in the ICSL laboratory as part of a predisposition screen in an ostensibly healthy population. It had not been previously curated by ICSL or reported in the Human Gene Mutation Database (HGMD: prior to June 1st, 2018), and was therefore a candidate for classification through an automated scoring system. Utilizing variant allele frequency, disease prevalence and penetrance estimates, and inheritance mode, an automated score was calculated to assess if this variant is too frequent to cause the disease. Based on the score and internal cut-off values, a variant classified as benign is not then subjected to further curation. The score for this variant resulted in a classification of benign for this disease.

Illumina Laboratory Services, Illumina
Classification: Benign for Paroxysmal extreme pain disorder. Last evaluated: 2018-01-13. Review status: criteria provided, single submitter. Criteria: ICSL Variant Classification Criteria 13 December 2019. Collection method: clinical testing. Allele origin: germline.
Comment: the same text as in the submission from Illumina Laboratory Services, Illumina above.